The following is an entry in ClinVar:

ClinVar aggregate classification (germline): Likely benign. Review status: criteria provided, multiple submitters, no conflicts (2 of 4 stars). 3 submissions from 3 submitters: Likely benign (3). Last evaluated 2026-01-27.

Conditions:
Nemaline myopathy 2 (NEM2). Also called: Nemaline myopathy 2, autosomal recessive. Identifiers: MedGen C1850569, MONDO:0009725, OMIM 256030.

Allele frequency attached by ClinVar (database versions not stated): ESP Exome Variant Server 0.00024; gnomAD exomes 0.00032; TOPMed 0.00033; ExAC 0.00038; gnomAD 0.00042 and 0.00044.
gnomAD v4.1: 836 of 1,545,800 alleles (0.054%); highest among the groups gnomAD compares: Non-Finnish European, 0.069%; 2 homozygotes.

Submissions (3):

Labcorp Genetics (formerly Invitae), Labcorp
Classification: Likely benign for Nemaline myopathy 2. Last evaluated: 2026-01-27. Review status: criteria provided, single submitter. Criteria: Invitae Variant Classification Sherloc (09022015). Collection method: clinical testing. Allele origin: germline.

Blueprint Genetics
Classification: Likely benign. Last evaluated: 2024-09-25. Review status: criteria provided, single submitter. Criteria: ACMG Guidelines, 2015. Collection method: clinical testing. Allele origin: germline.

GeneDx
Classification: Likely benign. Last evaluated: 2018-04-11. Review status: criteria provided, single submitter. Criteria: GeneDx Variant Classification (06012015). Collection method: clinical testing. Allele origin: germline. Affected: yes.
Comment: This variant is considered likely benign or benign based on one or more of the following criteria: it is a conservative change, it occurs at a poorly conserved position in the protein, it is predicted to be benign by multiple in silico algorithms, and/or has population frequency not consistent with disease.

NM_001164508.2(NEB):c.18891+17G>A

Gene: NEB (nebulin; minus strand). Cytogenetic location: 2q23.3.
Variant type: single nucleotide variant.
Coding change: c.18891+17G>A on transcript NM_001164508.2 (MANE Select); 17 bases into the intron after coding-DNA position 18891, G replaced by A.
Molecular consequence: intron variant.
Genome position (GRCh38, 1-based): chr2:151,562,594, C>T on the plus strand (G>A on the coding strand, the complement: NEB is on the minus strand). VCF-style: chr2-151562594-C-T. GRCh37 (hg19) VCF-style: chr2-152419108-C-T.
Other names: c.13788+17G>A (NM_004543.5); c.18891+17G>A (NM_001164507.2, NM_001271208.2).
Identifiers: ClinVar variation 681849 (VCV000681849.9), dbSNP rs376129412, ClinGen allele CA1907824.